The following is an entry in ClinVar:

NM_000218.3(KCNQ1):c.962A>C (p.Gln321Pro)

Gene: KCNQ1 (potassium voltage-gated channel subfamily Q member 1; plus strand). Cytogenetic location: 11p15.5.
Variant type: single nucleotide variant.
Coding change: c.962A>C on transcript NM_000218.3 (MANE Select); coding-DNA position 962, A replaced by C.
Protein change: p.Gln321Pro; replaces glutamine 321 with proline.
Molecular consequence: missense variant.
Genome position (GRCh38, 1-based): chr11:2,583,475, A>C. VCF-style: chr11-2583475-A-C. GRCh37 (hg19) VCF-style: chr11-2604705-A-C.
Other names: p.Q321P:CAG>CCG; c.962A>C, p.Gln321Pro (NM_001406836.1); c.692A>C, p.Gln231Pro (NM_001406837.1); c.518A>C, p.Gln173Pro (NM_001406838.1); c.581A>C, p.Gln194Pro (NM_181798.2); short protein forms Q194P, Q321P, Q173P, Q231P.
Identifiers: ClinVar variation 200829 (VCV000200829.13), dbSNP rs794728518, ClinGen allele CA008930.

ClinVar aggregate classification (germline): Uncertain significance. Review status: criteria provided, multiple submitters, no conflicts (2 of 4 stars). 2 submissions from 2 submitters: Uncertain significance (2). Last evaluated 2020-10-08.

Conditions:
Long QT syndrome (LQTS). Identifiers: MedGen C0023976, MeSH D008133, MONDO:0002442. Disease mechanism: loss of function. Inheritance: Various modes of inheritance.

Submissions (2):

Labcorp Genetics (formerly Invitae), Labcorp
Classification: Uncertain significance for Long QT syndrome. Last evaluated: 2020-10-08. Review status: criteria provided, single submitter. Criteria: Invitae Variant Classification Sherloc (09022015). Collection method: clinical testing. Allele origin: germline.
Comment: This variant is not present in population databases (ExAC no frequency). This sequence change replaces glutamine with proline at codon 321 of the KCNQ1 protein (p.Gln321Pro). The glutamine residue is highly conserved and there is a moderate physicochemical difference between glutamine and proline. This variant has not been reported in the literature in individuals with KCNQ1-related conditions. ClinVar contains an entry for this variant (Variation ID: 200829). In summary, the available evidence is currently insufficient to determine the role of this variant in disease. Therefore, it has been classified as a Variant of Uncertain Significance. Algorithms developed to predict the effect of missense changes on protein structure and function are either unavailable or do not agree on the potential impact of this missense change (SIFT: "Tolerated"; PolyPhen-2: "Probably Damaging"; Align-GVGD: "Class C0").

GeneDx
Classification: Uncertain significance. Last evaluated: 2019-10-10. Review status: criteria provided, single submitter. Criteria: GeneDx Variant Classification Process June 2021. Collection method: clinical testing. Allele origin: germline. Affected: yes.
Comment: Has not been previously published as pathogenic or benign to our knowledge; Not observed in large population cohorts (Lek et al., 2016); In silico analysis, which includes protein predictors and evolutionary conservation, supports a deleterious effect